The following is an entry in ClinVar:

ClinVar aggregate classification (germline): Benign (0 of 4 stars; one submission).

Conditions:
SEMA4D-related disorder. Also called: SEMA4D-related condition.

Allele frequency attached by ClinVar (database versions not stated): 1000 Genomes Project 30x 0.15490; gnomAD 0.12751; TOPMed 0.13640; 1000 Genomes Project 0.15735; ExAC 0.16269; ESP Exome Variant Server 0.10234.
gnomAD v4.1: 231,894 of 1,613,984 alleles (14%); highest among the groups gnomAD compares: Admixed American, 40%; 20,257 homozygotes.

Submission:

PreventionGenetics, part of Exact Sciences
Classification: Benign for SEMA4D-related condition. Last evaluated: 2019-10-18. Review status: no assertion criteria provided. Collection method: clinical testing. Allele origin: germline.
Comment: This variant is classified as benign based on ACMG/AMP sequence variant interpretation guidelines (Richards et al. 2015 PMID: 25741868, with internal and published modifications).

NM_001142287.2(SEMA4D):c.2138G>A (p.Arg713Lys)

Genes: SECISBP2 (SECIS binding protein 2; plus strand), SEMA4D (semaphorin 4D; minus strand). Cytogenetic location: 9q22.2.
Variant type: single nucleotide variant.
Coding change: c.2138G>A on transcript NM_001142287.2; coding-DNA position 2138, G replaced by A.
Protein change: p.Arg713Lys; replaces arginine 713 with lysine.
Molecular consequence: missense variant. On other transcripts: non-coding transcript variant (6).
Genome position (GRCh38, 1-based): chr9:89,363,482, C>T on the plus strand (G>A on the coding strand, the complement: SEMA4D is on the minus strand). VCF-style: chr9-89363482-C-T. GRCh37 (hg19) VCF-style: chr9-91978397-C-T.
Other names: c.2138G>A, p.Arg713Lys (NM_001371198.1, NM_001371199.1, NM_001371200.1 and 1 more transcripts); c.1973G>A, p.Arg658Lys (NM_001371202.1); short protein forms R658K, R713K.
Identifiers: ClinVar variation 3060820 (VCV003060820.2), dbSNP rs13295305, ClinGen allele CA5117891.
Genomic context (GRCh38, chr9:89,363,482, plus strand): 5'-CCACTTACCCACGCCTTCCTCCAGCTCTGCATCATCCGGTCGTGCTCCCCAGCCACAGCC[C>T]TCCAGGCAGAGAGCTCTCTGGTCCACCTCTCCTGGTGGGTCACTTCTGGAAAACAAGCAG-3'